The following is an entry in ClinVar:

ClinVar aggregate classification (germline): Uncertain significance. Review status: criteria provided, multiple submitters, no conflicts (2 of 4 stars). 10 submissions from 5 submitters: Uncertain significance (10). Last evaluated 2022-05-17.

Conditions:
Cardiovascular phenotype. Identifiers: MedGen CN230736.
Autosomal recessive limb-girdle muscular dystrophy type 2J (LGMDR10). Also called: MUSCULAR DYSTROPHY, LIMB-GIRDLE, AUTOSOMAL RECESSIVE 10; Limb-girdle muscular dystrophy, type 2J. Identifiers: Orphanet 140922, MedGen C1837342, MONDO:0012127, OMIM 608807.
Tibial muscular dystrophy (TMD). Also called: Tibial muscular dystrophy, tardive; Udd Distal Myopathy – Tibial Muscular Dystrophy; UDD MYOPATHY. Identifiers: Orphanet 609, MedGen C1838244, MONDO:0010870, OMIM 600334.
Myopathy, myofibrillar, 9, with early respiratory failure (MFM9). Also called: Myopathy, distal, with early respiratory failure, autosomal dominant; EDSTROM MYOPATHY; MYOPATHY, PROXIMAL, WITH EARLY RESPIRATORY MUSCLE INVOLVEMENT; Hereditary myopathy with early respiratory failure. Identifiers: Orphanet 178464, Orphanet 34521, MedGen C1863599, MONDO:0011362, OMIM 603689.
Dilated cardiomyopathy 1G (CMD1G). Identifiers: Orphanet 154, MedGen C1858763, MONDO:0011400, OMIM 604145.
Early-onset myopathy with fatal cardiomyopathy (CMYO5). Also called: CONGENITAL MYOPATHY 5 WITH CARDIOMYOPATHY; Salih Myopathy. Identifiers: Orphanet 289377, MedGen C2673677, MONDO:0012714, OMIM 611705. Disease mechanism: loss of function.
Hypertrophic cardiomyopathy 9. Also called: Familial hypertrophic cardiomyopathy 9. Identifiers: MedGen C1861065, MONDO:0013412, OMIM 613765.

Allele frequency attached by ClinVar (database versions not stated): gnomAD 0.00002; TOPMed 0.00002.
gnomAD v4.1: 15 of 1,612,934 alleles (0.00093%); highest among the groups gnomAD compares: Admixed American, 0.0033%; no homozygotes.

Submissions (10):

Mayo Clinic Laboratories, Mayo Clinic
Classification: Uncertain significance. Last evaluated: 2022-05-17. Review status: criteria provided, single submitter. Criteria: ACMG Guidelines, 2015. Collection method: clinical testing. Allele origin: germline. Observed: 1 variant allele.
Comment: BP4, PM2

Fulgent Genetics
Classification: Uncertain significance for Tibial muscular dystrophy; Myopathy, myofibrillar, 9, with early respiratory failure; Dilated cardiomyopathy 1G; Autosomal recessive limb-girdle muscular dystrophy type 2J; Early-onset myopathy with fatal cardiomyopathy; Hypertrophic cardiomyopathy 9. Last evaluated: 2021-10-04. Review status: criteria provided, single submitter. Criteria: ACMG Guidelines, 2015. Collection method: clinical testing. Allele origin: unknown.

Baylor Genetics
Classification: Uncertain significance for Tibial muscular dystrophy. Last evaluated: 2021-02-05. Review status: criteria provided, single submitter. Criteria: ACMG Guidelines, 2015. Collection method: clinical testing. Allele origin: unknown.

Baylor Genetics
Classification: Uncertain significance for Hypertrophic cardiomyopathy 9. Last evaluated: 2021-02-05. Review status: criteria provided, single submitter. Criteria: ACMG Guidelines, 2015. Collection method: clinical testing. Allele origin: unknown.

Baylor Genetics
Classification: Uncertain significance for Myopathy, myofibrillar, 9, with early respiratory failure. Last evaluated: 2021-02-05. Review status: criteria provided, single submitter. Criteria: ACMG Guidelines, 2015. Collection method: clinical testing. Allele origin: unknown.

Baylor Genetics
Classification: Uncertain significance for Dilated cardiomyopathy 1G. Last evaluated: 2021-02-05. Review status: criteria provided, single submitter. Criteria: ACMG Guidelines, 2015. Collection method: clinical testing. Allele origin: unknown.

Baylor Genetics
Classification: Uncertain significance for Early-onset myopathy with fatal cardiomyopathy. Last evaluated: 2021-02-05. Review status: criteria provided, single submitter. Criteria: ACMG Guidelines, 2015. Collection method: clinical testing. Allele origin: unknown.

Baylor Genetics
Classification: Uncertain significance for Autosomal recessive limb-girdle muscular dystrophy type 2J. Last evaluated: 2021-02-05. Review status: criteria provided, single submitter. Criteria: ACMG Guidelines, 2015. Collection method: clinical testing. Allele origin: unknown.

Ambry Genetics
Classification: Uncertain significance for Cardiovascular phenotype. Last evaluated: 2019-07-11. Review status: criteria provided, single submitter. Criteria: Ambry Variant Classification Scheme 2023. Collection method: clinical testing. Allele origin: germline.
Comment: The p.G13375S variant (also known as c.40123G>A), located in coding exon 145 of the TTN gene, results from a G to A substitution at nucleotide position 40123. The glycine at codon 13375 is replaced by serine, an amino acid with similar properties. This variant (reported as p.G22440S, c.67318G>A) has been detected in a hypertrophic cardiomyopathy cohort; however, details were limited (Marian AJ et al. Circ. Res., 2018 Apr;122:1109-1118). This amino acid position is not well conserved in available vertebrate species. In addition, this alteration is predicted to be tolerated by in silico analysis. Since supporting evidence is limited at this time, the clinical significance of this alteration remains unclear.

Laboratory for Molecular Medicine, Mass General Brigham Personalized Medicine
Classification: Uncertain significance. Last evaluated: 2014-07-03. Review status: criteria provided, single submitter. Criteria: LMM Criteria. Collection method: clinical testing. Allele origin: germline. Observed: 1 variant allele.
Comment: The Gly19872Ser variant in TTN has not been previously reported in individuals w ith cardiomyopathy or in large population studies. Computational prediction tool s and conservation analysis suggest that this variant may not impact the protein , though this information is not predictive enough to rule out pathogenicity. In summary, the clinical significance of the GLy19872Ser variant is uncertain.

Literature cited by the submitters: PubMed 32746448 (cited by Mayo Clinic Laboratories, Mayo Clinic); PubMed 29540445 (cited by Ambry Genetics).

NM_001267550.2(TTN):c.67318G>A (p.Gly22440Ser)

Genes: TTN (titin; minus strand), TTN-AS1 (TTN antisense RNA 1; plus strand). Cytogenetic location: 2q31.2.
Variant type: single nucleotide variant.
Coding change: c.67318G>A on transcript NM_001267550.2 (MANE Select); coding-DNA position 67318, G replaced by A.
Protein change: p.Gly22440Ser; replaces glycine 22440 with serine.
Molecular consequence: missense variant.
Genome position (GRCh38, 1-based): chr2:178,579,969, C>T on the plus strand (G>A on the coding strand, the complement: TTN is on the minus strand). VCF-style: chr2-178579969-C-T. GRCh37 (hg19) VCF-style: chr2-179444696-C-T.
Other names: c.62395G>A, p.Gly20799Ser (NM_001256850.1); c.40123G>A, p.Gly13375Ser (NM_003319.4); c.40498G>A, p.Gly13500Ser (NM_133432.3); c.40699G>A, p.Gly13567Ser (NM_133437.4); c.59614G>A, p.Gly19872Ser (NM_133378.4); short protein forms G19872S, G22440S, G13500S, G13375S, G13567S, G20799S.
Identifiers: ClinVar variation 165882 (VCV000165882.10), dbSNP rs727503576, ClinGen allele CA178577.